The following is an entry in ClinVar:

NM_001042681.2(RERE):c.2466A>G (p.Pro822=)

Gene: RERE (arginine-glutamic acid dipeptide repeats; minus strand). Cytogenetic location: 1p36.23.
Variant type: single nucleotide variant.
Coding change: c.2466A>G on transcript NM_001042681.2 (MANE Select); coding-DNA position 2466, A replaced by G.
Protein change: p.Pro822=; no amino-acid change (proline 822 retained).
Molecular consequence: synonymous variant.
Genome position (GRCh38, 1-based): chr1:8,361,041, T>C on the plus strand (A>G on the coding strand, the complement: RERE is on the minus strand). VCF-style: chr1-8361041-T-C. GRCh37 (hg19) VCF-style: chr1-8421101-T-C.
Other names: c.804A>G, p.Pro268= (NM_001042682.2); c.2466A>G, p.Pro822= (NM_012102.4).
Identifiers: ClinVar variation 2638170 (VCV002638170.24), dbSNP rs941756214, ClinGen allele CA17695980.

ClinVar aggregate classification (germline): Likely benign (1 of 4 stars; one submission).

Allele frequency attached by ClinVar (database versions not stated): gnomAD exomes below 0.00001.
gnomAD v4.1: 4 of 1,423,816 alleles (0.00028%); highest among the groups gnomAD compares: Middle Eastern, 0.019%; no homozygotes.

Submission:

CeGaT Center for Human Genetics Tuebingen
Classification: Likely benign. Last evaluated: 2022-06-01. Review status: criteria provided, single submitter. Criteria: CeGaT Center For Human Genetics Tuebingen Variant Classification Criteria Version 2. Collection method: clinical testing. Allele origin: germline. Affected: yes. Observed: 1 variant allele.
Comment: RERE: PM2:Supporting, BP4, BP7